The following is an entry in ClinVar:

NM_016070.4(MRPS23):c.426C>T (p.His142=)

Gene: MRPS23 (mitochondrial ribosomal protein S23; minus strand). Cytogenetic location: 17q22.
Variant type: single nucleotide variant.
Coding change: c.426C>T on transcript NM_016070.4 (MANE Select); coding-DNA position 426, C replaced by T.
Protein change: p.His142=; no amino-acid change (histidine 142 retained).
Molecular consequence: synonymous variant.
Genome position (GRCh38, 1-based): chr17:57,839,930, G>A on the plus strand (C>T on the coding strand, the complement: MRPS23 is on the minus strand). VCF-style: chr17-57839930-G-A. GRCh37 (hg19) VCF-style: chr17-55917291-G-A.
Identifiers: ClinVar variation 778718 (VCV000778718.39), dbSNP rs117066436, ClinGen allele CA8666686.

ClinVar aggregate classification (germline): Benign/Likely benign. Review status: criteria provided, multiple submitters, no conflicts (2 of 4 stars). 3 submissions from 3 submitters: Benign (2); Likely benign (1). Last evaluated 2026-02-01.

Allele frequency attached by ClinVar (database versions not stated): 1000 Genomes Project 0.00180; 1000 Genomes Project 30x 0.00187; gnomAD exomes 0.00432 and 0.00697; ExAC 0.00438; TOPMed 0.00468; gnomAD 0.00491 and 0.00505; ESP Exome Variant Server 0.00630.
gnomAD v4.1: 10,835 of 1,614,046 alleles (0.67%); highest among the groups gnomAD compares: Non-Finnish European, 0.84%; 60 homozygotes.

Submissions (3):

CeGaT Center for Human Genetics Tuebingen
Classification: Likely benign. Last evaluated: 2026-02-01. Review status: criteria provided, single submitter. Criteria: CeGaT Center For Human Genetics Tuebingen Variant Classification Criteria Version 2. Collection method: clinical testing. Allele origin: germline. Affected: yes. Observed: 19 variant alleles.
Comment: MRPS23: BP4, BP7, BS2

Labcorp Genetics (formerly Invitae), Labcorp
Classification: Benign. Last evaluated: 2026-01-26. Review status: criteria provided, single submitter. Criteria: Invitae Variant Classification Sherloc (09022015). Collection method: clinical testing. Allele origin: germline.

Breakthrough Genomics
Classification: Benign. Review status: criteria provided, single submitter. Criteria: ACMG Guidelines, 2015. Collection method: not provided. Allele origin: germline. Inheritance: Autosomal recessive inheritance. Affected: yes.